The following is an entry in ClinVar:

NM_001374385.1(ATP8B1):c.2637G>A (p.Leu879=)

Genes: ATP8B1 (ATPase phospholipid transporting 8B1; minus strand), ATP8B1-AS1 (ATP8B1 antisense RNA 1; plus strand). Cytogenetic location: 18q21.31.
Variant type: single nucleotide variant.
Coding change: c.2637G>A on transcript NM_001374385.1 (MANE Select); coding-DNA position 2637, G replaced by A.
Protein change: p.Leu879=; no amino-acid change (leucine 879 retained).
Molecular consequence: synonymous variant.
Genome position (GRCh38, 1-based): chr18:57,661,244, C>T on the plus strand (G>A on the coding strand, the complement: ATP8B1 is on the minus strand). VCF-style: chr18-57661244-C-T. GRCh37 (hg19) VCF-style: chr18-55328476-C-T.
Other names: c.2487G>A, p.Leu829= (NM_001374386.1); c.2637G>A, p.Leu879= (NM_005603.6).
Identifiers: ClinVar variation 327475 (VCV000327475.11), dbSNP rs199716374, ClinGen allele CA8974210.

ClinVar aggregate classification (germline): Likely benign. Review status: criteria provided, multiple submitters, no conflicts (2 of 4 stars). 3 submissions from 3 submitters: Likely benign (2). 1 of the submissions does not count toward it. Last evaluated 2025-12-22.

Conditions:
ATP8B1-related disorder. Also called: ATP8B1-related disorders; ATP8B1-related condition.

Allele frequency attached by ClinVar (database versions not stated): gnomAD 0.00001; TOPMed 0.00001; ExAC 0.00002; gnomAD exomes 0.00003 and 0.00006.
gnomAD v4.1: 46 of 1,613,938 alleles (0.0029%); highest among the groups gnomAD compares: Non-Finnish European, 0.00034%; no homozygotes.

Submissions (3):

Labcorp Genetics (formerly Invitae), Labcorp
Classification: Likely benign. Last evaluated: 2025-12-22. Review status: criteria provided, single submitter. Criteria: Invitae Variant Classification Sherloc (09022015). Collection method: clinical testing. Allele origin: germline.

GeneDx
Classification: Likely benign. Last evaluated: 2018-05-23. Review status: criteria provided, single submitter. Criteria: GeneDx Variant Classification (06012015). Collection method: clinical testing. Allele origin: germline. Affected: yes.
Comment: This variant is considered likely benign or benign based on one or more of the following criteria: it is a conservative change, it occurs at a poorly conserved position in the protein, it is predicted to be benign by multiple in silico algorithms, and/or has population frequency not consistent with disease.

PreventionGenetics, part of Exact Sciences
Classification: Likely benign for ATP8B1-related condition. Last evaluated: 2023-12-28. Review status: no assertion criteria provided. Collection method: clinical testing. Allele origin: germline. Not counted in ClinVar's aggregate classification.
Comment: This variant is classified as likely benign based on ACMG/AMP sequence variant interpretation guidelines (Richards et al. 2015 PMID: 25741868, with internal and published modifications).